The following is an entry in ClinVar:

ClinVar aggregate classification (germline): Uncertain significance (1 of 4 stars; one submission).

Conditions:
Primary ciliary dyskinesia 30. Also called: CILIARY DYSKINESIA, PRIMARY, 30, WITH OR WITHOUT SITUS INVERSUS. Identifiers: Orphanet 244, MedGen C4015016, MONDO:0014465, OMIM 616037.

Submission:

Labcorp Genetics (formerly Invitae), Labcorp
Classification: Uncertain significance for Primary ciliary dyskinesia 30. Last evaluated: 2022-08-10. Review status: criteria provided, single submitter. Criteria: Invitae Variant Classification Sherloc (09022015). Collection method: clinical testing. Allele origin: germline.
Comment: Variants that disrupt the consensus splice site are a relatively common cause of aberrant splicing (PMID: 17576681, 9536098). Algorithms developed to predict the effect of sequence changes on RNA splicing suggest that this variant may disrupt the consensus splice site. ClinVar contains an entry for this variant (Variation ID: 1682766). This variant has not been reported in the literature in individuals affected with CCDC151-related conditions. This variant is not present in population databases (gnomAD no frequency). This sequence change falls in intron 9 of the CCDC151 gene. It does not directly change the encoded amino acid sequence of the CCDC151 protein. It affects a nucleotide within the consensus splice site. In summary, the available evidence is currently insufficient to determine the role of this variant in disease. Therefore, it has been classified as a Variant of Uncertain Significance.

Literature cited by the submitters: PubMed 17576681; PubMed 9536098.

NM_145045.5(ODAD3):c.1277+6G>T

Genes: ODAD3 (outer dynein arm docking complex subunit 3; minus strand), LOC130063574 (ATAC-STARR-seq lymphoblastoid silent region 10111; plus strand). Cytogenetic location: 19p13.2.
Variant type: single nucleotide variant.
Coding change: c.1277+6G>T on transcript NM_145045.5 (MANE Select); 6 bases into the intron after coding-DNA position 1277, G replaced by T.
Molecular consequence: intron variant.
Genome position (GRCh38, 1-based): chr19:11,422,695, C>A on the plus strand (G>T on the coding strand, the complement: ODAD3 is on the minus strand). VCF-style: chr19-11422695-C-A. GRCh37 (hg19) VCF-style: chr19-11533363-C-A.
Other names: c.1115+6G>T (NM_001302453.1); c.1097+6G>T (NM_001302454.2).
Identifiers: ClinVar variation 1682766 (VCV001682766.6), dbSNP rs2144755490, ClinGen allele CA2573156046.
Genomic context (GRCh38, chr19:11,422,695, plus strand): 5'-GAGCCGGGAGGTCACCCCGGGGGCTCAGCCCGCCCCGCCGCCCTCCCCAGAGCCCCGGTG[C>A]CTCACCTCACCAGCGTGGCCTCCCCCGAGTACTTGAGGTCTTCCAGCTCCCGCTGCAGTT-3'